The following is an entry in ClinVar:

NM_001165963.4(SCN1A):c.1189A>G (p.Lys397Glu)

Gene: SCN1A (sodium voltage-gated channel alpha subunit 1; minus strand). Cytogenetic location: 2q24.3.
Variant type: single nucleotide variant.
Coding change: c.1189A>G on transcript NM_001165963.4 (MANE Select); coding-DNA position 1189, A replaced by G.
Protein change: p.Lys397Glu; replaces lysine 397 with glutamic acid.
Molecular consequence: missense variant. On other transcripts: 5 prime UTR variant (1), non-coding transcript variant (1).
Genome position (GRCh38, 1-based): chr2:166,046,958, T>C on the plus strand (A>G on the coding strand, the complement: SCN1A is on the minus strand). VCF-style: chr2-166046958-T-C. GRCh37 (hg19) VCF-style: chr2-166903468-T-C.
Other names: c.1189A>G, p.Lys397Glu (NM_001165964.3, NM_001202435.3, NM_001353948.2 and 10 more transcripts); c.-1237A>G (NM_001353961.2); short protein forms K397E.
Identifiers: ClinVar variation 3634056 (VCV003634056.2).
Genomic context (GRCh38, chr2:166,046,958, plus strand): 5'-AATTTATTAGGTAGAATGAGCCCAAGAAAATGACCAATACAAAAAATATCATGTACGTTT[T>C]CCCAGCAGCACGTAATGTCTGCAAACAAAAATATCAGAATTATTTCTCAATATTATTTCA-3'
Protein context (NP_001159435.1, residues 387-407): LYQLTLRAAG[Lys397Glu]TYMIFFVLVI

ClinVar aggregate classification (germline): Uncertain significance (1 of 4 stars; one submission).

Conditions:
Early-infantile DEE. Also called: Early infantile epileptic encephalopathy; Ohtahara syndrome; Early infantile epileptic encephalopathy with suppression bursts. Identifiers: Orphanet 1934, MedGen C0393706, MONDO:0800491.

Submission:

Labcorp Genetics (formerly Invitae), Labcorp
Classification: Uncertain significance for Early-infantile DEE. Last evaluated: 2024-11-26. Review status: criteria provided, single submitter. Criteria: Invitae Variant Classification Sherloc (09022015). Collection method: clinical testing. Allele origin: germline.
Comment: This sequence change replaces lysine, which is basic and polar, with glutamic acid, which is acidic and polar, at codon 397 of the SCN1A protein (p.Lys397Glu). This variant is not present in population databases (gnomAD no frequency). This variant has not been reported in the literature in individuals affected with SCN1A-related conditions. Invitae Evidence Modeling of protein sequence and biophysical properties (such as structural, functional, and spatial information, amino acid conservation, physicochemical variation, residue mobility, and thermodynamic stability) indicates that this missense variant is expected to disrupt SCN1A protein function with a positive predictive value of 95%. In summary, the available evidence is currently insufficient to determine the role of this variant in disease. Therefore, it has been classified as a Variant of Uncertain Significance.